The following is an entry in ClinVar:

ClinVar aggregate classification (germline): Uncertain significance (0 of 4 stars; one submission).

Conditions:
KCNC2-related disorder.

gnomAD v4.1: 3 of 1,605,670 alleles (0.00019%); highest among the groups gnomAD compares: South Asian, 0.0033%; no homozygotes.

Submission:

PreventionGenetics, part of Exact Sciences
Classification: Uncertain significance for KCNC2-related condition. Last evaluated: 2024-08-09. Review status: no assertion criteria provided. Collection method: clinical testing. Allele origin: germline.
Comment: The KCNC2 c.557C>T variant is predicted to result in the amino acid substitution p.Ala186Val. To our knowledge, this variant has not been reported in the literature. This variant is reported in 0.0068% of alleles in individuals of South Asian descent in gnomAD. At this time, the clinical significance of this variant is uncertain due to the absence of conclusive functional and genetic evidence.

NM_139137.4(KCNC2):c.557C>T (p.Ala186Val)

Gene: KCNC2 (potassium voltage-gated channel subfamily C member 2; minus strand). Cytogenetic location: 12q21.1.
Variant type: single nucleotide variant.
Coding change: c.557C>T on transcript NM_139137.4 (MANE Select); coding-DNA position 557, C replaced by T.
Protein change: p.Ala186Val; replaces alanine 186 with valine.
Molecular consequence: missense variant. On other transcripts: non-coding transcript variant (2).
Genome position (GRCh38, 1-based): chr12:75,207,427, G>A on the plus strand (C>T on the coding strand, the complement: KCNC2 is on the minus strand). VCF-style: chr12-75207427-G-A. GRCh37 (hg19) VCF-style: chr12-75601207-G-A.
Other names: c.557C>T, p.Ala186Val (NM_001260497.2, NM_001260498.2, NM_001260499.2 and 13 more transcripts); short protein forms A186V.
Identifiers: ClinVar variation 3344521 (VCV003344521.1).